The following is an entry in ClinVar:

ClinVar aggregate classification (germline): Likely benign. Review status: criteria provided, multiple submitters, no conflicts (2 of 4 stars). 3 submissions from 3 submitters: Likely benign (3). Last evaluated 2026-08-01.

Allele frequency attached by ClinVar (database versions not stated): gnomAD exomes 0.00017 and 0.00026; ExAC 0.00020; ESP Exome Variant Server 0.00025; gnomAD 0.00044 and 0.00048; 1000 Genomes Project 30x 0.00047; 1000 Genomes Project 0.00060; TOPMed 0.00085.
gnomAD v4.1: 339 of 1,613,134 alleles (0.021%); highest among the groups gnomAD compares: Admixed American, 0.15%; 1 homozygote.

Submissions (3):

CeGaT Center for Human Genetics Tuebingen
Classification: Likely benign. Last evaluated: 2026-08-01. Review status: criteria provided, single submitter. Criteria: CeGaT Center For Human Genetics Tuebingen Variant Classification Criteria Version 2. Collection method: clinical testing. Allele origin: germline. Affected: yes. Observed: 1 variant allele.
Comment: PPM1D: PP2, BS1

Labcorp Genetics (formerly Invitae), Labcorp
Classification: Likely benign. Last evaluated: 2025-12-24. Review status: criteria provided, single submitter. Criteria: Invitae Variant Classification Sherloc (09022015). Collection method: clinical testing. Allele origin: germline.

Breakthrough Genomics
Classification: Likely benign. Review status: criteria provided, single submitter. Criteria: ACMG Guidelines, 2015. Collection method: not provided. Allele origin: germline. Inheritance: Autosomal dominant inheritance. Affected: yes.

NM_003620.4(PPM1D):c.439C>G (p.Leu147Val)

Gene: PPM1D (protein phosphatase, Mg2+/Mn2+ dependent 1D; plus strand). Cytogenetic location: 17q23.2.
Variant type: single nucleotide variant.
Coding change: c.439C>G on transcript NM_003620.4 (MANE Select); coding-DNA position 439, C replaced by G.
Protein change: p.Leu147Val; replaces leucine 147 with valine.
Molecular consequence: missense variant.
Genome position (GRCh38, 1-based): chr17:60,600,853, C>G. VCF-style: chr17-60600853-C-G. GRCh37 (hg19) VCF-style: chr17-58678214-C-G.
Other names: short protein forms L147V.
Identifiers: ClinVar variation 695348 (VCV000695348.11), dbSNP rs148074313, ClinGen allele CA8687569.